The following is an entry in ClinVar:

NM_002769.5(PRSS1):c.367G>C (p.Val123Leu)

Genes: PRSS1 (serine protease 1; plus strand), TRB (T cell receptor beta locus; plus strand). Cytogenetic location: 7q34.
Variant type: single nucleotide variant.
Coding change: c.367G>C on transcript NM_002769.5 (MANE Select); coding-DNA position 367, G replaced by C.
Protein change: p.Val123Leu; replaces valine 123 with leucine.
Molecular consequence: missense variant. On other transcripts: non-coding transcript variant (5).
Genome position (GRCh38, 1-based): chr7:142,751,940, G>C. VCF-style: chr7-142751940-G-C. GRCh37 (hg19) VCF-style: chr7-142459791-G-C.
Other names: short protein forms V123L.
Identifiers: ClinVar variation 1733872 (VCV001733872.7), dbSNP rs144403091, ClinGen allele CA369608957.

ClinVar aggregate classification (germline): Uncertain significance. Review status: criteria provided, multiple submitters, no conflicts (2 of 4 stars). 2 submissions from 2 submitters: Uncertain significance (2). Last evaluated 2025-07-28.

Conditions:
Hereditary pancreatitis (PCTT). Also called: Hereditary chronic pancreatitis; PRSS1-Related Hereditary Pancreatitis. Identifiers: Orphanet 676, MedGen C0238339, MONDO:0008185, OMIM 167800.

Submissions (2):

Ambry Genetics
Classification: Uncertain significance for Hereditary pancreatitis. Last evaluated: 2025-07-28. Review status: criteria provided, single submitter. Criteria: Ambry Variant Classification Scheme 2023. Collection method: clinical testing. Allele origin: germline.
Comment: The p.V123L variant (also known as c.367G>C), located in coding exon 3 of the PRSS1 gene, results from a G to C substitution at nucleotide position 367. The valine at codon 123 is replaced by leucine, an amino acid with highly similar properties. This amino acid position is well conserved in available vertebrate species. In addition, the in silico prediction for this alteration is inconclusive. Since supporting evidence is limited at this time, the clinical significance of this alteration remains unclear.

Labcorp Genetics (formerly Invitae), Labcorp
Classification: Uncertain significance for Hereditary pancreatitis. Last evaluated: 2022-11-10. Review status: criteria provided, single submitter. Criteria: Invitae Variant Classification Sherloc (09022015). Collection method: clinical testing. Allele origin: germline.
Comment: This sequence change replaces valine, which is neutral and non-polar, with leucine, which is neutral and non-polar, at codon 123 of the PRSS1 protein (p.Val123Leu). This variant is not present in population databases (gnomAD no frequency). This variant has not been reported in the literature in individuals affected with PRSS1-related conditions. Advanced modeling of protein sequence and biophysical properties (such as structural, functional, and spatial information, amino acid conservation, physicochemical variation, residue mobility, and thermodynamic stability) has been performed at Invitae for this missense variant, however the output from this modeling did not meet the statistical confidence thresholds required to predict the impact of this variant on PRSS1 protein function. In summary, the available evidence is currently insufficient to determine the role of this variant in disease. Therefore, it has been classified as a Variant of Uncertain Significance.